The following is an entry in ClinVar:

ClinVar aggregate classification (germline): Likely benign (0 of 4 stars; one submission).

Conditions:
SH2B1-related disorder. Also called: SH2B1-related condition.

gnomAD v4.1: 21 of 1,556,486 alleles (0.0013%); highest among the groups gnomAD compares: African/African-American, 0.0027%; no homozygotes.

Submission:

PreventionGenetics, part of Exact Sciences
Classification: Likely benign for SH2B1-related condition. Last evaluated: 2023-10-12. Review status: no assertion criteria provided. Collection method: clinical testing. Allele origin: germline.
Comment: This variant is classified as likely benign based on ACMG/AMP sequence variant interpretation guidelines (Richards et al. 2015 PMID: 25741868, with internal and published modifications).

NM_001387430.1(SH2B1):c.2052C>T (p.Gly684=)

Gene: SH2B1 (SH2B adaptor protein 1; plus strand). Cytogenetic location: 16p11.2.
Variant type: single nucleotide variant.
Coding change: c.2052C>T on transcript NM_001387430.1 (MANE Select); coding-DNA position 2052, C replaced by T.
Protein change: p.Gly684=; no amino-acid change (glycine 684 retained).
Molecular consequence: synonymous variant. On other transcripts: 3 prime UTR variant (5).
Genome position (GRCh38, 1-based): chr16:28,873,601, C>T. VCF-style: chr16-28873601-C-T. GRCh37 (hg19) VCF-style: chr16-28884922-C-T.
Other names: c.2052C>T, p.Gly684= (NM_001145795.2, NM_001308293.2, NM_001387404.1); c.*136C>T (NM_001145796.2, NM_001145812.2, NM_001308294.2 and 1 more transcripts); c.*153C>T (NM_001145797.2).
Identifiers: ClinVar variation 3356903 (VCV003356903.1).
Genomic context (GRCh38, chr16:28,873,601, plus strand): 5'-AGAAGTGGCGGCAGCAGCAGCCGCAGCAGCCAAAGAGAGGCAAGAGAAAGAGAAAGCGGG[C>T]GGTGGAGGGGTCCCGGAAGAGCTGGTCCCCGTGGTTGAGCTGGTCCCCGTGGTTGAATTG-3'
Protein context (NP_001374359.1, residues 674-694): AKERQEKEKA[Gly684=]GGGVPEELVP